The following is an entry in ClinVar:

ClinVar aggregate classification (germline): Likely benign (1 of 4 stars; one submission).

Allele frequency attached by ClinVar (database versions not stated): gnomAD exomes below 0.00001; TOPMed below 0.00001.
gnomAD v4.1: 1 of 1,613,962 alleles (0.000062%); highest among the groups gnomAD compares: Admixed American, 0.0017%; no homozygotes.

Submission:

CeGaT Center for Human Genetics Tuebingen
Classification: Likely benign. Last evaluated: 2023-01-01. Review status: criteria provided, single submitter. Criteria: CeGaT Center For Human Genetics Tuebingen Variant Classification Criteria Version 2. Collection method: clinical testing. Allele origin: germline. Affected: yes. Observed: 1 variant allele.
Comment: LAMA1: BP4, BP7

NM_005559.4(LAMA1):c.2022C>T (p.Asn674=)

Gene: LAMA1 (laminin subunit alpha 1; minus strand). Cytogenetic location: 18p11.31.
Variant type: single nucleotide variant.
Coding change: c.2022C>T on transcript NM_005559.4 (MANE Select); coding-DNA position 2022, C replaced by T.
Protein change: p.Asn674=; no amino-acid change (asparagine 674 retained).
Molecular consequence: synonymous variant.
Genome position (GRCh38, 1-based): chr18:7,034,508, G>A on the plus strand (C>T on the coding strand, the complement: LAMA1 is on the minus strand). VCF-style: chr18-7034508-G-A. GRCh37 (hg19) VCF-style: chr18-7034507-G-A.
Identifiers: ClinVar variation 2648550 (VCV002648550.24), dbSNP rs1442336672, ClinGen allele CA502465817.